The following is an entry in ClinVar:

ClinVar aggregate classification (germline): Uncertain significance (1 of 4 stars; one submission).

Conditions:
Hereditary pancreatitis (PCTT). Also called: Hereditary chronic pancreatitis; PRSS1-Related Hereditary Pancreatitis. Identifiers: Orphanet 676, MedGen C0238339, MONDO:0008185, OMIM 167800.

Submission:

Labcorp Genetics (formerly Invitae), Labcorp
Classification: Uncertain significance for Hereditary pancreatitis. Last evaluated: 2024-10-19. Review status: criteria provided, single submitter. Criteria: Invitae Variant Classification Sherloc (09022015). Collection method: clinical testing. Allele origin: germline.
Comment: This sequence change creates a premature translational stop signal (p.Tyr258*) in the CTRC gene. While this is not anticipated to result in nonsense mediated decay, it is expected to disrupt the last 11 amino acid(s) of the CTRC protein. This variant is not present in population databases (gnomAD no frequency). This variant has not been reported in the literature in individuals affected with CTRC-related conditions. In summary, the available evidence is currently insufficient to determine the role of this variant in disease. Therefore, it has been classified as a Variant of Uncertain Significance.

NM_007272.3(CTRC):c.774C>G (p.Tyr258Ter)

Gene: CTRC (chymotrypsin C; plus strand). Cytogenetic location: 1p36.21.
Variant type: single nucleotide variant.
Coding change: c.774C>G on transcript NM_007272.3 (MANE Select); coding-DNA position 774, C replaced by G.
Protein change: p.Tyr258Ter; replaces tyrosine 258 with a stop codon.
Molecular consequence: nonsense.
Genome position (GRCh38, 1-based): chr1:15,445,731, C>G. VCF-style: chr1-15445731-C-G. GRCh37 (hg19) VCF-style: chr1-15772226-C-G.
Other names: short protein forms Y258*.
Identifiers: ClinVar variation 3622405 (VCV003622405.2).